The following is an entry in ClinVar:

ClinVar aggregate classification (germline): Benign/Likely benign. Review status: criteria provided, multiple submitters, no conflicts (2 of 4 stars). 3 submissions from 3 submitters: Benign (1); Likely benign (2). Last evaluated 2025-08-04.

Conditions:
Pallister-Hall syndrome (PHS). Also called: GLI3-Related Pallister-Hall Syndrome; HYPOTHALAMIC HAMARTOBLASTOMA, HYPOPITUITARISM, IMPERFORATE ANUS, AND POSTAXIAL POLYDACTYLY. Identifiers: Orphanet 672, MedGen C0265220, MONDO:0007804, OMIM 146510.
Greig cephalopolysyndactyly syndrome (GCPS). Also called: Greig syndrome; GLI3-Related Greig Cephalopolysyndactyly Syndrome; POLYSYNDACTYLY WITH PECULIAR SKULL SHAPE. Identifiers: Orphanet 380, MedGen C0265306, MONDO:0008287, OMIM 175700.

Allele frequency attached by ClinVar (database versions not stated): ExAC 0.00002; gnomAD 0.00003 and 0.00004; TOPMed 0.00003; gnomAD exomes 0.00006; ESP Exome Variant Server 0.00008.
gnomAD v4.1: 76 of 1,614,034 alleles (0.0047%); highest among the groups gnomAD compares: Admixed American, 0.015%; 1 homozygote.

Submissions (3):

Labcorp Genetics (formerly Invitae), Labcorp
Classification: Benign for Pallister-Hall syndrome; Greig cephalopolysyndactyly syndrome. Last evaluated: 2025-08-04. Review status: criteria provided, single submitter. Criteria: Invitae Variant Classification Sherloc (09022015). Collection method: clinical testing. Allele origin: germline.

Blueprint Genetics
Classification: Likely benign. Last evaluated: 2022-02-18. Review status: criteria provided, single submitter. Criteria: ACMG Guidelines, 2015. Collection method: clinical testing. Allele origin: germline.

GeneDx
Classification: Likely benign. Last evaluated: 2020-11-16. Review status: criteria provided, single submitter. Criteria: GeneDx Variant Classification Process June 2021. Collection method: clinical testing. Allele origin: germline. Affected: yes.
Comment: In silico analysis supports that this missense variant does not alter protein structure/function; Has not been previously published as pathogenic or benign to our knowledge

NM_000168.6(GLI3):c.2306C>T (p.Pro769Leu)

Gene: GLI3 (GLI family zinc finger 3; minus strand). Cytogenetic location: 7p14.1.
Variant type: single nucleotide variant.
Coding change: c.2306C>T on transcript NM_000168.6 (MANE Select); coding-DNA position 2306, C replaced by T.
Protein change: p.Pro769Leu; replaces proline 769 with leucine.
Molecular consequence: missense variant.
Genome position (GRCh38, 1-based): chr7:41,967,721, G>A on the plus strand (C>T on the coding strand, the complement: GLI3 is on the minus strand). VCF-style: chr7-41967721-G-A. GRCh37 (hg19) VCF-style: chr7-42007319-G-A.
Other names: short protein forms P769L.
Identifiers: ClinVar variation 459209 (VCV000459209.15), dbSNP rs139672999, ClinGen allele CA4230644.
Genomic context (GRCh38, chr7:41,967,721, plus strand): 5'-ATTCCATTCACTTGTTTTAGCCTTTCTAGTTTTACGTGCTCCATCCATTTGGTCCCTGCC[G>A]GGTTTCTCCTGGCTTGCAAAGCAAGGGCTGTGGTTGCAGTGGAAATGGTTGAGTCCATGA-3'
Protein context (NP_000159.3, residues 759-779): TALALQARRN[Pro769Leu]AGTKWMEHVK